The following is an entry in ClinVar:

ClinVar aggregate classification (germline): Likely pathogenic (0 of 4 stars; one submission).

Conditions:
Pyruvate dehydrogenase E1-alpha deficiency (PDHAD). Also called: ATAXIA, INTERMITTENT, WITH PYRUVATE DEHYDROGENASE DEFICIENCY; ATAXIA WITH LACTIC ACIDOSIS I; ATAXIA, INTERMITTENT, WITH ABNORMAL PYRUVATE METABOLISM; Ataxia, intermittent, with pyruvate dehydrogenase, or decarboxylase, deficiency. Identifiers: Orphanet 79243, MedGen C1839413, MONDO:0010717, OMIM 312170.

Submission:

PDHA1 Study Group, University Children’s Hospital, Paracelsus Medical University
Classification: Likely pathogenic for Pyruvate dehydrogenase E1-alpha deficiency. Last evaluated: 2024-10-15. Review status: no assertion criteria provided. Collection method: research. Allele origin: germline. Affected: yes. Observed: 1 variant allele.
Comment: The NM_000284.3:c.431G>A (p.Gly144Asp) substitution is a missense variant in PDHA1 gene. The variant has been reported in 1 published case (PMIDs: 21914562). Last literature search: July 12, 2024. This variant is absent or extremely rare in population-based cohorts in the Genome Aggregation Database (gnomAD). Individuals harboring this variant presented with clinical features compatible with PDHA1-related PDHc deficiency. In summary, this variant meets criteria to be classified as likely pathogenic (LP) for PDHA1-related PDHc deficiency based on the ACMG/AMP criteria applied: PM1, PM2, PM7, PP3 (last assessment October 15, 2024).

Literature cited by the submitters: PubMed 21914562; DOI 10.1093/brain/awaf430.

NM_000284.4(PDHA1):c.431G>A (p.Gly144Asp)

Gene: PDHA1 (pyruvate dehydrogenase E1 subunit alpha 1; plus strand). Cytogenetic location: Xp22.12.
Variant type: single nucleotide variant.
Coding change: c.431G>A on transcript NM_000284.4 (MANE Select); coding-DNA position 431, G replaced by A.
Protein change: p.Gly144Asp; replaces glycine 144 with aspartic acid.
Molecular consequence: missense variant.
Genome position (GRCh38, 1-based): chrX:19,353,094, G>A. VCF-style: chrX-19353094-G-A. GRCh37 (hg19) VCF-style: chrX-19371212-G-A.
Other names: c.545G>A, p.Gly182Asp (NM_001173454.2); c.452G>A, p.Gly151Asp (NM_001173455.2); c.431G>A, p.Gly144Asp (NM_001173456.2); short protein forms G144D, G151D, G182D.
Identifiers: ClinVar variation 4070322 (VCV004070322.1).
Genomic context (GRCh38, chrX:19,353,094, plus strand): 5'-TTGTAGAGTTGGTTTGTTCTGCACATGTGTATGTTCTGCCATTTCCAGGACGAAAAGGAG[G>A]TTGTGCTAAAGGGAAAGGAGGATCGATGCACATGTATGCCAAGAACTTCTACGGGGGCAA-3'
Protein context (NP_000275.1, residues 134-154): ILAELTGRKG[Gly144Asp]CAKGKGGSMH